The following is an entry in ClinVar:

ClinVar aggregate classification (germline): Uncertain significance. Review status: criteria provided, multiple submitters, no conflicts (2 of 4 stars). 4 submissions from 4 submitters: Uncertain significance (4). Last evaluated 2026-09-14.

Conditions:
Nephronophthisis 12 (NPHP12). Identifiers: Orphanet 655, MedGen C3151186, MONDO:0013442, OMIM 613820.
Asphyxiating thoracic dystrophy 4 (SRTD4). Also called: SHORT-RIB THORACIC DYSPLASIA 4 WITH OR WITHOUT POLYDACTYLY; SHORT-RIB THORACIC DYSPLASIA 4. Identifiers: Orphanet 474, MedGen C3151185, MONDO:0013441, OMIM 613819.
Nephronophthisis. Also called: Juvenile Nephronophthisis. Identifiers: Orphanet 655, MedGen C0687120, MONDO:0019005, HP:0000090.
Jeune thoracic dystrophy. Also called: Jeune syndrome; Infantile thoracic dystrophy; Thoracic pelvic phalangeal dystrophy; Jeune's syndrome; Chondroectodermal dysplasia-like syndrome; Short-rib thoracic dysplasia. Identifiers: Orphanet 474, MedGen C0265275, MONDO:0018770.
Inborn genetic diseases. Identifiers: MedGen C0950123, MeSH D030342.
TTC21B-related disorder. Also called: TTC21B-related disorders; TTC21B-related condition.

Allele frequency attached by ClinVar (database versions not stated): gnomAD exomes below 0.00001 and 0.00001; ExAC 0.00001; gnomAD 0.00005.
gnomAD v4.1: 16 of 1,613,796 alleles (0.00099%); highest among the groups gnomAD compares: Admixed American, 0.0033%; no homozygotes.

Submissions (4):

PreventionGenetics, part of Exact Sciences
Classification: Uncertain significance for TTC21B-related condition. Last evaluated: 2026-09-14. Review status: criteria provided, single submitter. Criteria: ACMG Guidelines, 2015. Collection method: clinical testing. Allele origin: germline.
Comment: The TTC21B c.2611G>A variant is predicted to result in the amino acid substitution p.Glu871Lys. To our knowledge, this variant has not been reported in the literature. This variant is reported in 0.0023% of alleles in individuals of European (Non-Finnish) descent in gnomAD. At this time, the clinical significance of this variant is uncertain due to the absence of conclusive functional and genetic evidence.

Ambry Genetics
Classification: Uncertain significance for Inborn genetic diseases. Last evaluated: 2025-11-12. Review status: criteria provided, single submitter. Criteria: Ambry Variant Classification Scheme 2023. Collection method: clinical testing. Allele origin: germline.

Labcorp Genetics (formerly Invitae), Labcorp
Classification: Uncertain significance for Jeune thoracic dystrophy; Nephronophthisis. Last evaluated: 2022-10-17. Review status: criteria provided, single submitter. Criteria: Invitae Variant Classification Sherloc (09022015). Collection method: clinical testing. Allele origin: germline.
Comment: This sequence change replaces glutamic acid, which is acidic and polar, with lysine, which is basic and polar, at codon 871 of the TTC21B protein (p.Glu871Lys). This variant is present in population databases (rs757730050, gnomAD 0.002%). This variant has not been reported in the literature in individuals affected with TTC21B-related conditions. ClinVar contains an entry for this variant (Variation ID: 1363116). Advanced modeling of protein sequence and biophysical properties (such as structural, functional, and spatial information, amino acid conservation, physicochemical variation, residue mobility, and thermodynamic stability) has been performed at Invitae for this missense variant, however the output from this modeling did not meet the statistical confidence thresholds required to predict the impact of this variant on TTC21B protein function. In summary, the available evidence is currently insufficient to determine the role of this variant in disease. Therefore, it has been classified as a Variant of Uncertain Significance.

Fulgent Genetics
Classification: Uncertain significance for Asphyxiating thoracic dystrophy 4; Nephronophthisis 12. Last evaluated: 2022-04-15. Review status: criteria provided, single submitter. Criteria: ACMG Guidelines, 2015. Collection method: clinical testing. Allele origin: unknown.

NM_024753.5(TTC21B):c.2611G>A (p.Glu871Lys)

Gene: TTC21B (tetratricopeptide repeat domain 21B; minus strand). Cytogenetic location: 2q24.3.
Variant type: single nucleotide variant.
Coding change: c.2611G>A on transcript NM_024753.5 (MANE Select); coding-DNA position 2611, G replaced by A.
Protein change: p.Glu871Lys; replaces glutamic acid 871 with lysine.
Molecular consequence: missense variant.
Genome position (GRCh38, 1-based): chr2:165,901,868, C>T on the plus strand (G>A on the coding strand, the complement: TTC21B is on the minus strand). VCF-style: chr2-165901868-C-T. GRCh37 (hg19) VCF-style: chr2-166758378-C-T.
Other names: c.2611G>A (NM_024753.3, NM_024753.4); short protein forms E871K.
Identifiers: ClinVar variation 1363116 (VCV001363116.8), dbSNP rs757730050, ClinGen allele CA1941763.